The following is an entry in ClinVar:

ClinVar aggregate classification (germline): Uncertain significance (1 of 4 stars; one submission).

gnomAD v4.1: 1 of 1,613,970 alleles (0.000062%); highest among the groups gnomAD compares: Non-Finnish European, 0.000085%; no homozygotes.

Submission:

Labcorp Genetics (formerly Invitae), Labcorp
Classification: Uncertain significance. Last evaluated: 2021-05-06. Review status: criteria provided, single submitter. Criteria: Invitae Variant Classification Sherloc (09022015). Collection method: clinical testing. Allele origin: germline.
Comment: In summary, the available evidence is currently insufficient to determine the role of this variant in disease. Therefore, it has been classified as a Variant of Uncertain Significance. Advanced modeling of protein sequence and biophysical properties (such as structural, functional, and spatial information, amino acid conservation, physicochemical variation, residue mobility, and thermodynamic stability) performed at Invitae indicates that this missense variant is not expected to disrupt SMARCA2 protein function. This variant has not been reported in the literature in individuals with SMARCA2-related conditions. This variant is not present in population databases (ExAC no frequency). This sequence change replaces glycine with glutamic acid at codon 84 of the SMARCA2 protein (p.Gly84Glu). The glycine residue is moderately conserved and there is a moderate physicochemical difference between glycine and glutamic acid.

NM_003070.5(SMARCA2):c.251G>A (p.Gly84Glu)

Gene: SMARCA2 (SWI/SNF related BAF chromatin remodeling complex subunit ATPase 2; plus strand). Cytogenetic location: 9p24.3.
Variant type: single nucleotide variant.
Coding change: c.251G>A on transcript NM_003070.5 (MANE Select); coding-DNA position 251, G replaced by A.
Protein change: p.Gly84Glu; replaces glycine 84 with glutamic acid.
Molecular consequence: missense variant.
Genome position (GRCh38, 1-based): chr9:2,032,977, G>A. VCF-style: chr9-2032977-G-A. GRCh37 (hg19) VCF-style: chr9-2032977-G-A.
Other names: c.251G>A, p.Gly84Glu (NM_001289396.2, NM_001289397.2, NM_139045.4); short protein forms G84E.
Identifiers: ClinVar variation 1351782 (VCV001351782.8), dbSNP rs1007247960, ClinGen allele CA372779496.
Genomic context (GRCh38, chr9:2,032,977, plus strand): 5'-AGAGGTGTCTAACTAATGTCCTTTAAATGTTTCAGCCCATCGATGGTATACATGACAAGG[G>A]GATTGTAGAAGACATCCATTGTGGATCCATGAAGGGCACTGGTATGCGACCACCTCACCC-3'
Protein context (NP_003061.3, residues 74-94): HKPIDGIHDK[Gly84Glu]IVEDIHCGSM